The following is an entry in ClinVar:

ClinVar aggregate classification (germline): Uncertain significance (1 of 4 stars; one submission).

Submission:

Labcorp Genetics (formerly Invitae), Labcorp
Classification: Uncertain significance. Last evaluated: 2022-01-21. Review status: criteria provided, single submitter. Criteria: Invitae Variant Classification Sherloc (09022015). Collection method: clinical testing. Allele origin: germline.
Comment: This sequence change replaces alanine, which is neutral and non-polar, with serine, which is neutral and polar, at codon 37 of the ADGRA3 protein (p.Ala37Ser). This variant is not present in population databases (gnomAD no frequency). This variant has not been reported in the literature in individuals affected with ADGRA3-related conditions. Algorithms developed to predict the effect of missense changes on protein structure and function are either unavailable or do not agree on the potential impact of this missense change (SIFT: "Tolerated"; PolyPhen-2: "Not Available"; Align-GVGD: "Class C0"). In summary, the available evidence is currently insufficient to determine the role of this variant in disease. Therefore, it has been classified as a Variant of Uncertain Significance.

NM_145290.4(ADGRA3):c.109G>T (p.Ala37Ser)

Gene: ADGRA3 (adhesion G protein-coupled receptor A3; minus strand). Cytogenetic location: 4p15.2.
Variant type: single nucleotide variant.
Coding change: c.109G>T on transcript NM_145290.4 (MANE Select); coding-DNA position 109, G replaced by T.
Protein change: p.Ala37Ser; replaces alanine 37 with serine.
Molecular consequence: missense variant.
Genome position (GRCh38, 1-based): chr4:22,515,676, C>A on the plus strand (G>T on the coding strand, the complement: ADGRA3 is on the minus strand). VCF-style: chr4-22515676-C-A. GRCh37 (hg19) VCF-style: chr4-22517299-C-A.
Other names: short protein forms A37S.
Identifiers: ClinVar variation 2076589 (VCV002076589.4), dbSNP rs1217227687, ClinGen allele CA356507835.